The following is an entry in ClinVar:

ClinVar aggregate classification (germline): Benign (1 of 4 stars; one submission).

Conditions:
Amyotrophic neuralgia (HNA). Also called: AMYOTROPHY, HEREDITARY NEURALGIC; AMYOTROPHY, HEREDITARY NEURALGIC, WITH PREDILECTION FOR BRACHIAL PLEXUS; Hereditary Brachial Plexus Neuropathy; Neuritis with Brachial Predilection. Identifiers: Orphanet 2901, MedGen C1834304, MONDO:0008076, OMIM 162100.

Allele frequency attached by ClinVar (database versions not stated): gnomAD exomes 0.00004 and 0.00003; gnomAD 0.00002; TOPMed 0.00002; ExAC 0.00003.
gnomAD v4.1: 18 of 598,126 alleles (0.003%); highest among the groups gnomAD compares: Non-Finnish European, 0.0016%; no homozygotes.

Submission:

Illumina Laboratory Services, Illumina
Classification: Benign for Amyotrophy, hereditary neuralgic. Last evaluated: 2018-01-12. Review status: criteria provided, single submitter. Criteria: ICSL Variant Classification Criteria 13 December 2019. Collection method: clinical testing. Allele origin: germline.
Comment: This variant was observed in the ICSL laboratory as part of a predisposition screen in an ostensibly healthy population. It had not been previously curated by ICSL or reported in the Human Gene Mutation Database (HGMD: prior to June 1st, 2018), and was therefore a candidate for classification through an automated scoring system. Utilizing variant allele frequency, disease prevalence and penetrance estimates, and inheritance mode, an automated score was calculated to assess if this variant is too frequent to cause the disease. Based on the score and internal cut-off values, a variant classified as benign is not then subjected to further curation. The score for this variant resulted in a classification of benign for this disease.

NM_001113491.2(SEPTIN9):c.*628G>A

Gene: SEPTIN9 (septin 9; plus strand). Cytogenetic location: 17q25.3.
Variant type: single nucleotide variant.
Coding change: c.*628G>A on transcript NM_001113491.2 (MANE Select); 628 bases downstream of the stop codon, G replaced by A.
Molecular consequence: 3 prime UTR variant.
Genome position (GRCh38, 1-based): chr17:77,499,286, G>A. VCF-style: chr17-77499286-G-A. GRCh37 (hg19) VCF-style: chr17-75495368-G-A.
Other names: c.*628G>A (NM_001113492.2, NM_001113493.2, NM_001113494.1 and 7 more transcripts).
Identifiers: ClinVar variation 891396 (VCV000891396.4), dbSNP rs773994627, ClinGen allele CA8794014.